The following is an entry in ClinVar:

NM_032043.3(BRIP1):c.2514T>G (p.Asp838Glu)

Gene: BRIP1 (BRCA1 interacting DNA helicase 1; minus strand). Cytogenetic location: 17q23.2.
Variant type: single nucleotide variant.
Coding change: c.2514T>G on transcript NM_032043.3 (MANE Select); coding-DNA position 2514, T replaced by G.
Protein change: p.Asp838Glu; replaces aspartic acid 838 with glutamic acid.
Molecular consequence: missense variant.
Genome position (GRCh38, 1-based): chr17:61,693,491, A>C on the plus strand (T>G on the coding strand, the complement: BRIP1 is on the minus strand). VCF-style: chr17-61693491-A-C. GRCh37 (hg19) VCF-style: chr17-59770852-A-C.
Other names: short protein forms D838E.
Identifiers: ClinVar variation 3755664 (VCV003755664.2).

ClinVar aggregate classification (germline): Uncertain significance (1 of 4 stars; one submission).

Conditions:
Fanconi anemia complementation group J. Also called: BRIP1-Related Fanconi Anemia. Identifiers: Orphanet 84, MedGen C1836860, MONDO:0012187, OMIM 609054.
Familial cancer of breast. Also called: BREAST CANCER, FAMILIAL; Hereditary breast cancer; hereditary breast carcinoma. Identifiers: Orphanet 227535, MedGen C0346153, MONDO:0016419, OMIM 114480. Disease mechanism: loss of function.

Submission:

Labcorp Genetics (formerly Invitae), Labcorp
Classification: Uncertain significance for Familial cancer of breast; Fanconi anemia complementation group J. Last evaluated: 2024-04-03. Review status: criteria provided, single submitter. Criteria: Invitae Variant Classification Sherloc (09022015). Collection method: clinical testing. Allele origin: germline.
Comment: This sequence change replaces aspartic acid, which is acidic and polar, with glutamic acid, which is acidic and polar, at codon 838 of the BRIP1 protein (p.Asp838Glu). This variant is not present in population databases (gnomAD no frequency). This variant has not been reported in the literature in individuals affected with BRIP1-related conditions. Advanced modeling of protein sequence and biophysical properties (such as structural, functional, and spatial information, amino acid conservation, physicochemical variation, residue mobility, and thermodynamic stability) performed at Invitae indicates that this missense variant is expected to disrupt BRIP1 protein function with a positive predictive value of 80%. In summary, the available evidence is currently insufficient to determine the role of this variant in disease. Therefore, it has been classified as a Variant of Uncertain Significance.